The following is an entry in ClinVar:

NM_016203.4(PRKAG2):c.1010A>G (p.Gln337Arg)

Gene: PRKAG2 (protein kinase AMP-activated non-catalytic subunit gamma 2; minus strand). Cytogenetic location: 7q36.1.
Variant type: single nucleotide variant.
Coding change: c.1010A>G on transcript NM_016203.4 (MANE Select); coding-DNA position 1010, A replaced by G.
Protein change: p.Gln337Arg; replaces glutamine 337 with arginine.
Molecular consequence: missense variant.
Genome position (GRCh38, 1-based): chr7:151,572,705, T>C on the plus strand (A>G on the coding strand, the complement: PRKAG2 is on the minus strand). VCF-style: chr7-151572705-T-C. GRCh37 (hg19) VCF-style: chr7-151269791-T-C.
Other names: c.878A>G, p.Gln293Arg (NM_001040633.2, NM_001407024.1); c.635A>G, p.Gln212Arg (NM_001304527.2, NM_001407029.1); c.287A>G, p.Gln96Arg (NM_001304531.2, NM_001407034.1, NM_001407035.1 and 1 more transcripts); c.638A>G, p.Gln213Arg (NM_001363698.2, NM_001407028.1); c.1010A>G, p.Gln337Arg (NM_001407021.1); c.1007A>G, p.Gln336Arg (NM_001407022.1, NM_001407023.1); c.875A>G, p.Gln292Arg (NM_001407026.1, NM_001407027.1); c.722A>G, p.Gln241Arg (NM_001407030.1); and 6 more; short protein forms Q112R, Q116R, Q212R, Q213R, Q229R, Q231R, Q240R, Q241R.
Identifiers: ClinVar variation 4802506 (VCV004802506.1).

ClinVar aggregate classification (germline): Uncertain significance (1 of 4 stars; one submission).

Conditions:
Lethal congenital glycogen storage disease of heart. Also called: GLYCOGEN STORAGE DISEASE OF HEART; PHOSPHORYLASE KINASE DEFICIENCY OF HEART. Identifiers: Orphanet 439854, MedGen C1849813, MONDO:0009867, OMIM 261740.

Submission:

Labcorp Genetics (formerly Invitae), Labcorp
Classification: Uncertain significance for Lethal congenital glycogen storage disease of heart. Last evaluated: 2025-08-11. Review status: criteria provided, single submitter. Criteria: Invitae Variant Classification Sherloc (09022015). Collection method: clinical testing. Allele origin: germline.
Comment: This sequence change replaces glutamine, which is neutral and polar, with arginine, which is basic and polar, at codon 337 of the PRKAG2 protein (p.Gln337Arg). This variant is not present in population databases (gnomAD no frequency). This variant has not been reported in the literature in individuals affected with PRKAG2-related conditions. Invitae Evidence Modeling of protein sequence and biophysical properties (such as structural, functional, and spatial information, amino acid conservation, physicochemical variation, residue mobility, and thermodynamic stability) indicates that this missense variant is not expected to disrupt PRKAG2 protein function with a negative predictive value of 95%. In summary, the available evidence is currently insufficient to determine the role of this variant in disease. Therefore, it has been classified as a Variant of Uncertain Significance.